The following is an entry in ClinVar:

NM_017654.4(SAMD9):c.464C>T (p.Pro155Leu)

Gene: SAMD9 (sterile alpha motif domain containing 9; minus strand). Cytogenetic location: 7q21.2.
Variant type: single nucleotide variant.
Coding change: c.464C>T on transcript NM_017654.4 (MANE Select); coding-DNA position 464, C replaced by T.
Protein change: p.Pro155Leu; replaces proline 155 with leucine.
Molecular consequence: missense variant.
Genome position (GRCh38, 1-based): chr7:93,105,634, G>A on the plus strand (C>T on the coding strand, the complement: SAMD9 is on the minus strand). VCF-style: chr7-93105634-G-A. GRCh37 (hg19) VCF-style: chr7-92734947-G-A.
Other names: c.464C>T, p.Pro155Leu (NM_001193307.2); short protein forms P155L.
Identifiers: ClinVar variation 3437060 (VCV003437060.1).

ClinVar aggregate classification (germline): Uncertain significance (1 of 4 stars; one submission).

Conditions:
Inborn genetic diseases. Identifiers: MedGen C0950123, MeSH D030342.

gnomAD v4.1: 2 of 1,614,062 alleles (0.00012%); highest among the groups gnomAD compares: South Asian, 0.0011%; no homozygotes.

Submission:

Ambry Genetics
Classification: Uncertain significance for Inborn genetic diseases. Last evaluated: 2024-11-28. Review status: criteria provided, single submitter. Criteria: Ambry Variant Classification Scheme 2023. Collection method: clinical testing. Allele origin: germline.
Comment: The p.P155L variant (also known as c.464C>T), located in coding exon 1 of the SAMD9 gene, results from a C to T substitution at nucleotide position 464. The proline at codon 155 is replaced by leucine, an amino acid with similar properties. This amino acid position is conserved. In addition, this alteration is predicted to be tolerated by in silico analysis. Based on the available evidence, the clinical significance of this variant remains unclear.